The following is an entry in ClinVar:

ClinVar aggregate classification (germline): Likely benign (1 of 4 stars; one submission).

Allele frequency attached by ClinVar (database versions not stated): gnomAD exomes 0.00001; ExAC 0.00007; gnomAD 0.00009; TOPMed 0.00011; ESP Exome Variant Server 0.00023.
gnomAD v4.1: 33 of 1,613,916 alleles (0.002%); highest among the groups gnomAD compares: African/African-American, 0.036%; no homozygotes.

Submission:

CeGaT Center for Human Genetics Tuebingen
Classification: Likely benign. Last evaluated: 2022-12-01. Review status: criteria provided, single submitter. Criteria: CeGaT Center For Human Genetics Tuebingen Variant Classification Criteria Version 2. Collection method: clinical testing. Allele origin: germline. Affected: yes. Observed: 1 variant allele.
Comment: ADCY9: BP4, BP7

NM_001116.4(ADCY9):c.1578C>T (p.Ala526=)

Gene: ADCY9 (adenylate cyclase 9; minus strand). Cytogenetic location: 16p13.3.
Variant type: single nucleotide variant.
Coding change: c.1578C>T on transcript NM_001116.4 (MANE Select); coding-DNA position 1578, C replaced by T.
Protein change: p.Ala526=; no amino-acid change (alanine 526 retained).
Molecular consequence: synonymous variant.
Genome position (GRCh38, 1-based): chr16:4,113,865, G>A on the plus strand (C>T on the coding strand, the complement: ADCY9 is on the minus strand). VCF-style: chr16-4113865-G-A. GRCh37 (hg19) VCF-style: chr16-4163866-G-A.
Identifiers: ClinVar variation 2646146 (VCV002646146.24), dbSNP rs374682488, ClinGen allele CA7871636.